The following is an entry in ClinVar:

ClinVar aggregate classification (germline): Uncertain significance (1 of 4 stars; one submission).

Conditions:
Aortic aneurysm, familial thoracic 6 (AAT6). Also called: FAMILIAL THORACIC AORTIC ANEURYSM WITH LIVEDO RETICULARIS AND IRIS FLOCCULI. Identifiers: MedGen C2673186, MONDO:0012730, OMIM 611788.

Submission:

Labcorp Genetics (formerly Invitae), Labcorp
Classification: Uncertain significance for Aortic aneurysm, familial thoracic 6. Last evaluated: 2017-10-02. Review status: criteria provided, single submitter. Criteria: Invitae Variant Classification Sherloc (09022015). Collection method: clinical testing. Allele origin: germline.
Comment: This sequence change replaces isoleucine with leucine at codon 66 of the ACTA2 protein (p.Ile66Leu). The isoleucine residue is highly conserved and there is a small physicochemical difference between isoleucine and leucine. In summary, the available evidence is currently insufficient to determine the role of this variant in disease. Therefore, it has been classified as a Variant of Uncertain Significance. Algorithms developed to predict the effect of missense changes on protein structure and function (SIFT, PolyPhen-2, Align-GVGD) all suggest that this variant is likely to be tolerated, but these predictions have not been confirmed by published functional studies and their clinical significance is uncertain. This variant has not been reported in the literature in individuals with ACTA2-related disease. This variant is not present in population databases (ExAC no frequency).

NM_001613.4(ACTA2):c.196A>C (p.Ile66Leu)

Gene: ACTA2 (actin alpha 2, smooth muscle; minus strand). Cytogenetic location: 10q23.31.
Variant type: single nucleotide variant.
Coding change: c.196A>C on transcript NM_001613.4 (MANE Select); coding-DNA position 196, A replaced by C.
Protein change: p.Ile66Leu; replaces isoleucine 66 with leucine.
Molecular consequence: missense variant.
Genome position (GRCh38, 1-based): chr10:88,947,320, T>G on the plus strand (A>C on the coding strand, the complement: ACTA2 is on the minus strand). VCF-style: chr10-88947320-T-G. GRCh37 (hg19) VCF-style: chr10-90707077-T-G.
Other names: c.196A>C, p.Ile66Leu (NM_001141945.3, NM_001320855.2, NM_001406462.1 and 4 more transcripts); short protein forms I66L.
Identifiers: ClinVar variation 536917 (VCV000536917.10), dbSNP rs1554841834, ClinGen allele CA377513413.